The following is an entry in ClinVar:

NM_003923.3(FOXH1):c.*311C>T

Genes: FOXH1 (forkhead box H1; minus strand), KIFC2 (kinesin family member C2; plus strand). Cytogenetic location: 8q24.3.
Variant type: single nucleotide variant.
Coding change: c.*311C>T on transcript NM_003923.3 (MANE Select); 311 bases downstream of the stop codon, C replaced by T.
Molecular consequence: 3 prime UTR variant.
Genome position (GRCh38, 1-based): chr8:144,473,927, G>A on the plus strand (C>T on the coding strand, the complement: FOXH1 is on the minus strand). VCF-style: chr8-144473927-G-A. GRCh37 (hg19) VCF-style: chr8-145699310-G-A.
Other names: c.*538G>A (NM_001369769.2); c.*477G>A (NM_145754.5).
Identifiers: ClinVar variation 362272 (VCV000362272.5), dbSNP rs74360910, ClinGen allele CA10630469.

ClinVar aggregate classification (germline): Benign (1 of 4 stars; one submission).

Conditions:
Holoprosencephaly sequence (HPE). Also called: Holoprosencephaly. Identifiers: Orphanet 2162, MedGen C0079541, MONDO:0016296, HP:0001360.

Allele frequency attached by ClinVar (database versions not stated): gnomAD 0.00024 and 0.00039; TOPMed 0.00040; 1000 Genomes Project 30x 0.00187; 1000 Genomes Project 0.00220.
gnomAD v4.1: 401 of 438,794 alleles (0.091%); highest among the groups gnomAD compares: East Asian, 1.4%; 6 homozygotes.

Submission:

Illumina Laboratory Services, Illumina
Classification: Benign for Holoprosencephaly sequence. Last evaluated: 2018-01-13. Review status: criteria provided, single submitter. Criteria: ICSL Variant Classification Criteria 13 December 2019. Collection method: clinical testing. Allele origin: germline.
Comment: This variant was observed in the ICSL laboratory as part of a predisposition screen in an ostensibly healthy population. It had not been previously curated by ICSL or reported in the Human Gene Mutation Database (HGMD: prior to June 1st, 2018), and was therefore a candidate for classification through an automated scoring system. Utilizing variant allele frequency, disease prevalence and penetrance estimates, and inheritance mode, an automated score was calculated to assess if this variant is too frequent to cause the disease. Based on the score and internal cut-off values, a variant classified as benign is not then subjected to further curation. The score for this variant resulted in a classification of benign for this disease.